The following is an entry in ClinVar:

NM_001845.6(COL4A1):c.4560G>A (p.Ser1520=)

Gene: COL4A1 (collagen type IV alpha 1 chain; minus strand). Cytogenetic location: 13q34.
Variant type: single nucleotide variant.
Coding change: c.4560G>A on transcript NM_001845.6 (MANE Select); coding-DNA position 4560, G replaced by A.
Protein change: p.Ser1520=; no amino-acid change (serine 1520 retained).
Molecular consequence: synonymous variant.
Genome position (GRCh38, 1-based): chr13:110,161,272, C>T on the plus strand (G>A on the coding strand, the complement: COL4A1 is on the minus strand). VCF-style: chr13-110161272-C-T. GRCh37 (hg19) VCF-style: chr13-110813619-C-T.
Other names: c.4560G>A (NM_001845.5).
Identifiers: ClinVar variation 1637389 (VCV001637389.10), dbSNP rs773639086, ClinGen allele CA7046900.

ClinVar aggregate classification (germline): Likely benign. Review status: criteria provided, multiple submitters, no conflicts (2 of 4 stars). 3 submissions from 3 submitters: Likely benign (3). Last evaluated 2026-05-28.

Conditions:
COL4A1-related disorder. Also called: COL4A1-related disorders; COL4A1-related condition. Identifiers: MedGen CN376119, MONDO:0800461.
Autosomal dominant familial hematuria-retinal arteriolar tortuosity-contractures syndrome. Also called: Hereditary Angiopathy with Nephropathy, Aneurysms, and Muscle Cramps (HANAC) Syndrome; Angiopathy, hereditary, with nephropathy, aneurysms, and muscle cramps. Identifiers: Orphanet 73229, MedGen C2673195, MONDO:0012726, OMIM 611773.
Brain small vessel disease 1 with or without ocular anomalies (BSVD1). Also called: PORENCEPHALY, TYPE 1, AUTOSOMAL DOMINANT; GOULD SYNDROME 1; BRAIN SMALL VESSEL DISEASE WITH HEMORRHAGE; Brain small vessel disease with or without ocular anomalies. Identifiers: Orphanet 2940, Orphanet 36383, Orphanet 99810, MedGen C4755307, MONDO:0008289, OMIM 175780.
Hemorrhage, intracerebral, susceptibility to (ICH). Also called: Stroke, hemorrhagic, susceptibility to. Identifiers: MedGen C3281105, MONDO:0100533, OMIM 614519.
Microangiopathy and leukoencephalopathy, pontine, autosomal dominant. Also called: Pontine autosomal dominant microangiopathy with leukoencephalopathy; DEMENTIA, HEREDITARY MULTI-INFARCT, SWEDISH TYPE. Identifiers: Orphanet 477749, MedGen C5231411, MONDO:0032814, OMIM 618564.
Retinal arterial tortuosity. Also called: Retinal arteries, tortuosity of; RETINAL HEMORRHAGE WITH VASCULAR TORTUOSITY. Identifiers: Orphanet 75326, MedGen C0423401, MONDO:0008373, OMIM 180000, HP:0000631.

Allele frequency attached by ClinVar (database versions not stated): gnomAD 0.00001; TOPMed 0.00002; gnomAD exomes 0.00006; ExAC 0.00007.
gnomAD v4.1: 33 of 1,613,998 alleles (0.002%); highest among the groups gnomAD compares: East Asian, 0.02%; no homozygotes.

Submissions (3):

PreventionGenetics, part of Exact Sciences
Classification: Likely benign for COL4A1-related condition. Last evaluated: 2026-05-28. Review status: criteria provided, single submitter. Criteria: ACMG Guidelines, 2015. Collection method: clinical testing. Allele origin: germline.
Comment: This variant is classified as likely benign based on ACMG/AMP sequence variant interpretation guidelines (Richards et al. 2015 PMID: 25741868, with internal and published modifications).

Labcorp Genetics (formerly Invitae), Labcorp
Classification: Likely benign. Last evaluated: 2025-09-17. Review status: criteria provided, single submitter. Criteria: Invitae Variant Classification Sherloc (09022015). Collection method: clinical testing. Allele origin: germline.

Fulgent Genetics
Classification: Likely benign for Brain small vessel disease 1 with or without ocular anomalies; Retinal arterial tortuosity; Autosomal dominant familial hematuria-retinal arteriolar tortuosity-contractures syndrome; Hemorrhage, intracerebral, susceptibility to; Microangiopathy and leukoencephalopathy, pontine, autosomal dominant. Last evaluated: 2022-04-19. Review status: criteria provided, single submitter. Criteria: ACMG Guidelines, 2015. Collection method: clinical testing. Allele origin: unknown.